The following is an entry in ClinVar:

NM_182961.4(SYNE1):c.21882C>A (p.Gly7294=)

Gene: SYNE1 (spectrin repeat containing nuclear envelope protein 1; minus strand). Cytogenetic location: 6q25.2.
Variant type: single nucleotide variant.
Coding change: c.21882C>A on transcript NM_182961.4 (MANE Select); coding-DNA position 21882, C replaced by A.
Protein change: p.Gly7294=; no amino-acid change (glycine 7294 retained).
Molecular consequence: synonymous variant.
Genome position (GRCh38, 1-based): chr6:152,219,165, G>T on the plus strand (C>A on the coding strand, the complement: SYNE1 is on the minus strand). VCF-style: chr6-152219165-G-T. GRCh37 (hg19) VCF-style: chr6-152540300-G-T.
Other names: p.Gly7223=; c.21882C>A (NM_182961.2); c.21669C>A, p.Gly7223= (NM_033071.5).
Identifiers: ClinVar variation 471026 (VCV000471026.22), dbSNP rs35106977, ClinGen allele CA4054023.
Genomic context (GRCh38, chr6:152,219,165, plus strand): 5'-CACTTGTTGCTTCAGTTGCTCTCCCAGCTCATGGAGAAAAAAGAGGGAATCTTTAACTGT[G>T]CCCAGTCCTTTGAGGAGGTCCTAGAAGAGGTGAAAATATGCCCACTCTGAAGCATGTTGA-3'
Protein context (NP_892006.3, residues 7284-7304): QDCNDLLKGL[Gly7294=]TVKDSLFFLH

ClinVar aggregate classification (germline): Benign/Likely benign. Review status: criteria provided, multiple submitters, no conflicts (2 of 4 stars). 6 submissions from 6 submitters: Benign (4); Likely benign (2). Last evaluated 2026-01-26.

Conditions:
Emery-Dreifuss muscular dystrophy 4, autosomal dominant (EDMD4). Also called: EMERY-DREIFUSS MUSCULAR DYSTROPHY 4 WITH VARIABLE FEATURES. Identifiers: Orphanet 261, MedGen C2751807, MONDO:0013071, OMIM 612998.
Autosomal recessive ataxia, Beauce type. Also called: Spinocerebellar ataxia, autosomal recessive 8; ATAXIA, RECESSIVE, OF BEAUCE; SYNE1-Related Autosomal Recessive Cerebellar Ataxia; SYNE1 Deficiency. Identifiers: Orphanet 88644, MedGen C1853116, MONDO:0012549, OMIM 610743.

Allele frequency attached by ClinVar (database versions not stated): gnomAD exomes 0.00026 and 0.00080; ExAC 0.00095; gnomAD 0.00303 and 0.00325; TOPMed 0.00351; ESP Exome Variant Server 0.00354; 1000 Genomes Project 0.00439; 1000 Genomes Project 30x 0.00453.
gnomAD v4.1: 872 of 1,613,930 alleles (0.054%); highest among the groups gnomAD compares: African/African-American, 1%; 7 homozygotes.

Submissions (6):

Labcorp Genetics (formerly Invitae), Labcorp
Classification: Benign for Emery-Dreifuss muscular dystrophy 4, autosomal dominant; Autosomal recessive ataxia, Beauce type. Last evaluated: 2026-01-26. Review status: criteria provided, single submitter. Criteria: Invitae Variant Classification Sherloc (09022015). Collection method: clinical testing. Allele origin: germline.

Mayo Clinic Laboratories, Mayo Clinic
Classification: Benign. Last evaluated: 2025-06-12. Review status: criteria provided, single submitter. Criteria: ACMG Guidelines, 2015. Collection method: clinical testing. Allele origin: germline. Observed: 2 variant alleles.
Comment: BS1, BS2, BP4, BP7

Blueprint Genetics
Classification: Likely benign. Last evaluated: 2024-09-23. Review status: criteria provided, single submitter. Criteria: ACMG Guidelines, 2015. Collection method: clinical testing. Allele origin: germline.

GeneDx
Classification: Likely benign. Last evaluated: 2021-05-26. Review status: criteria provided, single submitter. Criteria: GeneDx Variant Classification Process June 2021. Collection method: clinical testing. Allele origin: germline. Affected: yes.

Athena Diagnostics
Classification: Benign. Last evaluated: 2021-03-29. Review status: criteria provided, single submitter. Criteria: Athena Diagnostics criteria. Collection method: clinical testing. Allele origin: unknown.

ARUP Laboratories, Molecular Genetics and Genomics, ARUP Laboratories
Classification: Benign. Last evaluated: 2017-09-29. Review status: criteria provided, single submitter. Criteria: ARUP Molecular Germline Variant Investigation Process. Collection method: clinical testing. Allele origin: germline.